The following is an entry in ClinVar:

ClinVar aggregate classification (germline): Pathogenic (1 of 4 stars; one submission).

Conditions:
Retinoblastoma (RB1). Also called: RETINOBLASTOMA, SOMATIC. Identifiers: Orphanet 790, MedGen C0035335, MeSH D012175, MONDO:0008380, OMIM 180200, HP:0009919. Disease mechanism: loss of function. Inheritance: Both sporadic and heritable forms are tested..

Submission:

Genetic Diagnostic Laboratory, University of Pennsylvania School of Medicine
Classification: Pathogenic for Retinoblastoma. Last evaluated: 2024-05-20. Review status: criteria provided, single submitter. Criteria: ACMG Guidelines, 2015. Collection method: clinical testing. Allele origin: germline. Affected: yes. Observed: 1 variant allele.
Comment: Case and Pedigree Information: BILATERAL CASES:1, UNILATERAL CASES:0, TOTAL CASES:1, PEDIGREES:1. ACMG Codes Applied:PVS1, PM2

NM_000321.3(RB1):c.789del (p.Ile263fs)

Gene: RB1 (RB transcriptional corepressor 1; plus strand). Cytogenetic location: 13q14.2.
Variant type: Deletion.
Coding change: c.789del on transcript NM_000321.3 (MANE Select); coding-DNA position 789, one base deleted (A; older notation c.789delA).
Protein change: p.Ile263fs; shifts the reading frame from isoleucine 263.
Molecular consequence: frameshift variant.
Genome position (GRCh38, 1-based): chr13:48,362,885, A deleted. VCF-style (leftmost placement, unchanged base first): chr13-48362884-TA-T. GRCh37 (hg19) VCF-style: chr13-48937020-TA-T.
Other names: c.789del, p.Ile263fs (NM_001407165.1, NM_001407166.1); short protein forms I263fs.
Identifiers: ClinVar variation 3236926 (VCV003236926.1), dbSNP rs2542182142.